The following is an entry in ClinVar:

NM_005912.3(MC4R):c.11C>T (p.Ser4Phe)

Gene: MC4R (melanocortin 4 receptor; minus strand). Cytogenetic location: 18q21.32.
Variant type: single nucleotide variant.
Coding change: c.11C>T on transcript NM_005912.3 (MANE Select); coding-DNA position 11, C replaced by T.
Protein change: p.Ser4Phe; replaces serine 4 with phenylalanine.
Molecular consequence: missense variant.
Genome position (GRCh38, 1-based): chr18:60,372,339, G>A on the plus strand (C>T on the coding strand, the complement: MC4R is on the minus strand). VCF-style: chr18-60372339-G-A. GRCh37 (hg19) VCF-style: chr18-58039572-G-A.
Other names: short protein forms S4F.
Identifiers: ClinVar variation 2636510 (VCV002636510.6), dbSNP rs146099234, ClinGen allele CA8981009.

ClinVar aggregate classification (germline): Uncertain significance. Review status: criteria provided, multiple submitters, no conflicts (2 of 4 stars). 3 submissions from 3 submitters: Uncertain significance (3). Last evaluated 2026-08-03.

Conditions:
Early onset severe obesity. Identifiers: MedGen C4013980.
MC4R-related disorder. Also called: MC4R-related condition.

Allele frequency attached by ClinVar (database versions not stated): ExAC 0.00002; gnomAD 0.00011; TOPMed 0.00015; ESP Exome Variant Server 0.00023.
gnomAD v4.1: 27 of 1,613,942 alleles (0.0017%); highest among the groups gnomAD compares: African/African-American, 0.032%; no homozygotes.

Submissions (3):

PreventionGenetics, part of Exact Sciences
Classification: Uncertain significance for MC4R-related condition. Last evaluated: 2026-08-03. Review status: criteria provided, single submitter. Criteria: ACMG Guidelines, 2015. Collection method: clinical testing. Allele origin: germline.
Comment: The MC4R c.11C>T variant is predicted to result in the amino acid substitution p.Ser4Phe. This variant was previously reported in the heterozygous state in individuals who presented with obesity (Moore et al. 2014. PubMed ID: 24705671; Calton et al. 2009. PubMed ID: 19091795). Functional studies found conflicting evidence of this variant's impact on MC4R function (Brouwers et al. 2021. PubMed ID: 33761344). This variant is reported in 0.017% of alleles in individuals of African descent in gnomAD. At this time, the clinical significance of this variant is uncertain due to the absence of conclusive functional and genetic evidence.

Labcorp Genetics (formerly Invitae), Labcorp
Classification: Uncertain significance. Last evaluated: 2025-10-13. Review status: criteria provided, single submitter. Criteria: Invitae Variant Classification Sherloc (09022015). Collection method: clinical testing. Allele origin: germline.
Comment: This sequence change replaces serine, which is neutral and polar, with phenylalanine, which is neutral and non-polar, at codon 4 of the MC4R protein (p.Ser4Phe). This variant is present in population databases (rs146099234, gnomAD 0.02%). This missense change has been observed in individual(s) with obesity (PMID: 24705671, 33761344). ClinVar contains an entry for this variant (Variation ID: 2636510). Invitae Evidence Modeling of protein sequence and biophysical properties (such as structural, functional, and spatial information, amino acid conservation, physicochemical variation, residue mobility, and thermodynamic stability) indicates that this missense variant is not expected to disrupt MC4R protein function with a negative predictive value of 95%. Experimental studies are conflicting or provide insufficient evidence to determine the effect of this variant on MC4R function (PMID: 33761344). In summary, the available evidence is currently insufficient to determine the role of this variant in disease. Therefore, it has been classified as a Variant of Uncertain Significance.

Cambridge Genomics Laboratory, East Genomic Laboratory Hub, NHS Genomic Medicine Service
Classification: Uncertain significance for Severe early-onset obesity. Last evaluated: 2025-08-12. Review status: criteria provided, single submitter. Criteria: ACGS Best Practice Guidelines for Variant Classification in Rare Disease 2020. Collection method: clinical testing. Allele origin: germline. Affected: yes.
Comment: PS4_Moderate,PM2,BP4

Literature cited by the submitters: PubMed 24705671 (cited by Labcorp Genetics (formerly Invitae), Labcorp); PubMed 33761344 (cited by Labcorp Genetics (formerly Invitae), Labcorp).